The following is an entry in ClinVar:

NM_003001.5(SDHC):c.379C>G (p.His127Asp)

Gene: SDHC (succinate dehydrogenase complex subunit C; plus strand). Cytogenetic location: 1q23.3.
Variant type: single nucleotide variant.
Coding change: c.379C>G on transcript NM_003001.5 (MANE Select); coding-DNA position 379, C replaced by G.
Protein change: p.His127Asp; replaces histidine 127 with aspartic acid.
Molecular consequence: missense variant. On other transcripts: non-coding transcript variant (1), intron variant (3).
Genome position (GRCh38, 1-based): chr1:161,356,814, C>G. VCF-style: chr1-161356814-C-G. GRCh37 (hg19) VCF-style: chr1-161326604-C-G.
Other names: c.277C>G, p.His93Asp (NM_001035512.3); c.220C>G, p.His74Asp (NM_001035513.3); c.499C>G, p.His167Asp (NM_001407115.1); c.322C>G, p.His108Asp (NM_001407116.1); c.316C>G, p.His106Asp (NM_001407117.1); c.271C>G, p.His91Asp (NM_001407118.1); c.268C>G, p.His90Asp (NM_001407119.1, NM_001407120.1); c.242-5515C>G (NM_001035511.3); and 2 more; short protein forms H127D, H74D, H93D, H167D, H90D, H91D, H106D, H108D.
Identifiers: ClinVar variation 1677290 (VCV001677290.13), dbSNP rs1485675090, ClinGen allele CA343456684.
Genomic context (GRCh38, chr1:161,356,814, plus strand): 5'-TGTCTGGGGCCAGCACTGATCCACACAGCTAAGTTTGCACTTGTCTTCCCTCTCATGTAT[C>G]ATACCTGGAATGGGATCCGACACTTGGTAAGTTAATTCGGGATTTGCACATTTTCTCTGT-3'
Protein context (NP_002992.1, residues 117-137): KFALVFPLMY[His127Asp]TWNGIRHLMW

ClinVar aggregate classification (germline): Conflicting classifications of pathogenicity. Review status: criteria provided, conflicting classifications (1 of 4 stars). 5 submissions from 5 submitters: Pathogenic (1); Likely pathogenic (2); Uncertain significance (1). 1 of the submissions does not count toward it. Last evaluated 2024-08-30.

Conditions:
Hereditary cancer-predisposing syndrome. Also called: Tumor predisposition; Neoplastic Syndromes, Hereditary; Hereditary Cancer Syndrome; Hereditary neoplastic syndrome. Identifiers: Orphanet 140162, MedGen C0027672, MeSH D009386, MONDO:0015356.
Hereditary pheochromocytoma and paraganglioma. Also called: Hereditary Paraganglioma-Pheochromocytoma Syndromes; Hereditary paragangliomas and pheochromocytomas; Hereditary pheochromocytoma-paraganglioma. Identifiers: Orphanet 29072, MedGen C4274332, MONDO:0017366.
Pheochromocytoma/paraganglioma syndrome 3. Also called: GLOMUS TUMORS, FAMILIAL, 3; SDHC-Related Hereditary Paraganglioma-Pheochromocytoma Syndrome; SDHC-Related Hereditary Paraganglioma-Pheochromocytoma Syndrome (Paragangliomas 3); Paragangliomas 3. Identifiers: Orphanet 29072, MedGen C1854336, MONDO:0011544, OMIM 605373.
Gastrointestinal stromal tumor. Also called: Gastrointestinal stroma tumor; Gastrointestinal stromal tumor, somatic. Identifiers: Orphanet 44890, MedGen C0238198, MeSH D046152, MONDO:0011719, OMIM 606764, HP:0100723.

Allele frequency attached by ClinVar (database versions not stated): TOPMed below 0.00001.

Submissions (5):

Ambry Genetics
Classification: Pathogenic for Hereditary cancer-predisposing syndrome. Last evaluated: 2024-08-30. Review status: criteria provided, single submitter. Criteria: Ambry Variant Classification Scheme 2023. Collection method: clinical testing. Allele origin: germline.
Comment: The p.H127D pathogenic mutation (also known as c.379C>G), located in coding exon 5 of the SDHC gene, results from a C to G substitution at nucleotide position 379. The histidine at codon 127 is replaced by aspartic acid, an amino acid with similar properties. This mutation has been detected in multiple individuals with paraganglioma(s) (Pczkowska M et al. Eur J Endocrinol, 2017 Feb;176:143-157; Ambry internal data). Another alteration at the same codon, p.H127R (c.380A>G), has been detected in multiple individuals with a paraganglioma, gastrointestinal stromal tumor, or renal carcinoma (Rattenberry E et al. J Clin Endocrinol Metab, 2013 Jul;98:E1248-56; D&eacute;nes J et al. J Clin Endocrinol Metab, 2015 Mar;100:E531-41; Gill AJ et al. Pathology, 2013 12;45:689-91; Casey RT et al. Sci Rep, 2019 07;9:10244). Based on internal structural analysis, p.H127D disrupts the SDHC heme-binding site, within which there are other internally pathogenic variants (Sun F et al. Cell, 2005 Jul;121:1043-57; Fufezan C et al. Proteins, 2008 Nov;73:690-704; Lemarie A et al. Mitochondrion, 2009 Jul;9:254-60). This variant is considered to be rare based on population cohorts in the Genome Aggregation Database (gnomAD). This amino acid position is highly conserved in available vertebrate species. In addition, this alteration is predicted to be deleterious by in silico analysis. Based on the supporting evidence, this alteration is interpreted as a disease-causing mutation.

All of Us Research Program, National Institutes of Health
Classification: Likely pathogenic for Hereditary pheochromocytoma and paraganglioma. Last evaluated: 2024-03-28. Review status: criteria provided, single submitter. Criteria: ACMG Guidelines, 2015. Collection method: clinical testing. Allele origin: germline. Inheritance: Autosomal dominant inheritance. Observed: 2 variant alleles, 2 heterozygotes.
Comment: This missense variant replaces histidine with aspartic acid at codon 127 of the SDHC protein. Computational prediction suggests that this variant may have deleterious impact on protein structure and function (internally defined REVEL score threshold >= 0.7, PMID: 27666373). To our knowledge, functional studies have not been reported for this variant, however other variants at this position (p.His127Ala and p.His127Tyr) were reported to completely abolished succinate ubiquinone oxidoreductase (SQR) and succinate dehydrogenase (SDH) activities of mitochondrial complex II, and rendered the SDHC protein unstable or degraded (PMID: 19332149). Another variant at this position has been classified as pathogenic in ClinVar (p.His127Arg) indicating that variants at this residue are disease causing (ClinVar Variation ID: 187084). This variant has been reported in individuals affected with paragangliomas (PMID: 27913608, 35171114). This variant has not been identified in the general population by the Genome Aggregation Database (gnomAD). Based on the available evidence, this variant is classified as Likely Pathogenic.

This study involves interpretation of variants in research participants for the purpose of population health screening. Participant phenotype was not available at the time of variant classification. Additional details can be found in publication PMID: 35346344, PMCID: PMC8962531

Human Genome Sequencing Center Clinical Lab, Baylor College of Medicine
Classification: Likely pathogenic for paragangliomas 3. Last evaluated: 2023-12-14. Review status: criteria provided, single submitter. Criteria: ACMG Guidelines, 2015. Collection method: clinical testing. Allele origin: unknown.

Labcorp Genetics (formerly Invitae), Labcorp
Classification: Uncertain significance for Pheochromocytoma/paraganglioma syndrome 3; Gastrointestinal stromal tumor. Last evaluated: 2023-05-10. Review status: criteria provided, single submitter. Criteria: Invitae Variant Classification Sherloc (09022015). Collection method: clinical testing. Allele origin: germline.
Comment: ClinVar contains an entry for this variant (Variation ID: 1677290). This variant has not been reported in the literature in individuals affected with SDHC-related conditions. This variant is not present in population databases (gnomAD no frequency). This sequence change replaces histidine, which is basic and polar, with aspartic acid, which is acidic and polar, at codon 127 of the SDHC protein (p.His127Asp). Advanced modeling of protein sequence and biophysical properties (such as structural, functional, and spatial information, amino acid conservation, physicochemical variation, residue mobility, and thermodynamic stability) performed at Invitae indicates that this missense variant is expected to disrupt SDHC protein function. In summary, the available evidence is currently insufficient to determine the role of this variant in disease. Therefore, it has been classified as a Variant of Uncertain Significance. This variant disrupts the p.His127 amino acid residue in SDHC. Other variant(s) that disrupt this residue have been determined to be pathogenic (PMID: 22517557, 23162105, 24758179, 26273102, 30050099). This suggests that this residue is clinically significant, and that variants that disrupt this residue are likely to be disease-causing.

Gemeinschaftspraxis fuer Humangenetik Dresden
Classification: Likely pathogenic for Pheochromocytoma/paraganglioma syndrome 3. Last evaluated: 2021-10-11. Review status: no assertion criteria provided. Collection method: clinical testing. Allele origin: germline. Inheritance: Autosomal dominant inheritance. Not counted in ClinVar's aggregate classification.
Comment: This mutation c.379C>G, p.(His127Asp) is not reported in HGMD 2021.2, gnomAD (v2.1.1), dbSNP (v151) or LOVD. But on same aminoacid position the pathogenic mutations p.(His127Tyr) and p.(His127Arg) for phenotype Phaeochromocytoma/paraganglioma are known. Multiple lines of computational evidence support a deleterious effect (SIFT, MutationTaster2021, PolyPhen-2). In summary, the p.(His127Asp) variant meets our criteria to be classified as likely pathogenic. ACMG: PM5, PM2, PP3 (ACMG Guidelines, 2015)

Literature cited by the submitters: PubMed 27913608 (cited by Ambry Genetics and All of Us Research Program, National Institutes of Health); PubMed 19332149 (cited by All of Us Research Program, National Institutes of Health); PubMed 35171114 (cited by All of Us Research Program, National Institutes of Health); PubMed 22517557 (cited by Labcorp Genetics (formerly Invitae), Labcorp); PubMed 23162105 (cited by Labcorp Genetics (formerly Invitae), Labcorp); PubMed 24758179 (cited by Labcorp Genetics (formerly Invitae), Labcorp); PubMed 26273102 (cited by Labcorp Genetics (formerly Invitae), Labcorp); PubMed 30050099 (cited by Labcorp Genetics (formerly Invitae), Labcorp).